The following is an entry in ClinVar:

ClinVar aggregate classification (germline): Uncertain significance (1 of 4 stars; one submission).

Conditions:
Hereditary cancer-predisposing syndrome. Also called: Neoplastic Syndromes, Hereditary; Tumor predisposition; Hereditary Cancer Syndrome; Hereditary neoplastic syndrome. Identifiers: Orphanet 140162, MedGen C0027672, MeSH D009386, MONDO:0015356.

Submission:

Color Diagnostics, LLC DBA Color Health
Classification: Uncertain significance for Hereditary cancer-predisposing syndrome. Last evaluated: 2023-12-04. Review status: criteria provided, single submitter. Criteria: ACMG Guidelines, 2015. Collection method: clinical testing. Allele origin: germline.
Comment: This missense variant replaces valine with glycine at codon 487 of the BARD1 protein. Computational prediction suggests that this variant may have deleterious impact on protein structure and function (internally defined REVEL score threshold >= 0.7, PMID: 27666373). To our knowledge, functional studies have not been reported for this variant. This variant has not been reported in individuals affected with BARD1-related disorders in the literature. This variant has not been identified in the general population by the Genome Aggregation Database (gnomAD). The available evidence is insufficient to determine the role of this variant in disease conclusively. Therefore, this variant is classified as a Variant of Uncertain Significance.

NM_000465.4(BARD1):c.1460T>G (p.Val487Gly)

Gene: BARD1 (BRCA1 associated RING domain 1; minus strand). Cytogenetic location: 2q35.
Variant type: single nucleotide variant.
Coding change: c.1460T>G on transcript NM_000465.4 (MANE Select); coding-DNA position 1460, T replaced by G.
Protein change: p.Val487Gly; replaces valine 487 with glycine.
Molecular consequence: missense variant. On other transcripts: non-coding transcript variant (3), intron variant (3).
Genome position (GRCh38, 1-based): chr2:214,767,590, A>C on the plus strand (T>G on the coding strand, the complement: BARD1 is on the minus strand). VCF-style: chr2-214767590-A-C. GRCh37 (hg19) VCF-style: chr2-215632314-A-C.
Other names: c.1403T>G, p.Val468Gly (NM_001282543.2); c.159-15035T>G (NM_001282548.2); c.216-15035T>G (NM_001282545.2); c.364+24707T>G (NM_001282549.2); short protein forms V468G, V487G.
Identifiers: ClinVar variation 919178 (VCV000919178.4), dbSNP rs1694272517, ClinGen allele CA350448495.